The following is an entry in ClinVar:

NM_033380.3(COL4A5):c.3403A>G (p.Ile1135Val)

Gene: COL4A5 (collagen type IV alpha 5 chain; plus strand). Cytogenetic location: Xq22.3.
Variant type: single nucleotide variant.
Coding change: c.3403A>G on transcript NM_033380.3 (MANE Select); coding-DNA position 3403, A replaced by G.
Protein change: p.Ile1135Val; replaces isoleucine 1135 with valine.
Molecular consequence: missense variant.
Genome position (GRCh38, 1-based): chrX:108,665,536, A>G. VCF-style: chrX-108665536-A-G. GRCh37 (hg19) VCF-style: chrX-107908766-A-G.
Other names: c.3403A>G (NM_033380.1); c.3403A>G, p.Ile1135Val (NM_000495.5); short protein forms I1135V.
Identifiers: ClinVar variation 783254 (VCV000783254.21), dbSNP rs747614562, ClinGen allele CA10489105.

ClinVar aggregate classification (germline): Conflicting classifications of pathogenicity. Review status: criteria provided, conflicting classifications (1 of 4 stars). 6 submissions from 6 submitters: Uncertain significance (1); Benign (1); Likely benign (3). 1 of the submissions does not count toward it. Last evaluated 2025-11-12.

Conditions:
X-linked Alport syndrome (ATS1). Also called: NEPHROPATHY AND DEAFNESS, X-LINKED; COL4A5-Related Nephropathy. Identifiers: Orphanet 63, Orphanet 88917, MedGen C4746986, MONDO:0010520, OMIM 301050.

Allele frequency attached by ClinVar (database versions not stated): TOPMed 0.00005; gnomAD 0.00006 and 0.00007; gnomAD exomes 0.00007 and 0.00011; ExAC 0.00015.
gnomAD v4.1: 80 of 1,206,849 alleles (0.0066%); highest among the groups gnomAD compares: Non-Finnish European, 0.0059%; no homozygotes.

Submissions (6):

Labcorp Genetics (formerly Invitae), Labcorp
Classification: Benign. Last evaluated: 2025-11-12. Review status: criteria provided, single submitter. Criteria: Invitae Variant Classification Sherloc (09022015). Collection method: clinical testing. Allele origin: germline.

Blueprint Genetics
Classification: Likely benign. Last evaluated: 2024-07-23. Review status: criteria provided, single submitter. Criteria: ACMG Guidelines, 2015. Collection method: clinical testing. Allele origin: germline.

ARUP Laboratories, Molecular Genetics and Genomics, ARUP Laboratories
Classification: Likely benign for X-linked Alport syndrome. Last evaluated: 2020-12-11. Review status: criteria provided, single submitter. Criteria: ARUP Molecular Germline Variant Investigation Process 2021. Collection method: clinical testing. Allele origin: germline.

Medical Genetics, University of Parma
Classification: Uncertain significance for X-linked Alport syndrome. Last evaluated: 2020-03-11. Review status: criteria provided, single submitter. Criteria: ACMG Guidelines, 2015. Collection method: clinical testing. Allele origin: germline. Affected: yes.

GeneDx
Classification: Likely benign. Last evaluated: 2020-01-14. Review status: criteria provided, single submitter. Criteria: GeneDx Variant Classification Process June 2021. Collection method: clinical testing. Allele origin: germline. Affected: yes.
Comment: See Variant Classification Assertion Criteria.

Natera, Inc.
Classification: Likely benign for X-linked Alport syndrome. Last evaluated: 2020-09-09. Review status: no assertion criteria provided. Collection method: clinical testing. Allele origin: germline. Not counted in ClinVar's aggregate classification.